The following is an entry in ClinVar:

ClinVar aggregate classification (germline): Uncertain significance. Review status: criteria provided, multiple submitters, no conflicts (2 of 4 stars). 2 submissions from 2 submitters: Uncertain significance (2). Last evaluated 2025-05-04.

Submissions (2):

Ambry Genetics
Classification: Uncertain significance. Last evaluated: 2025-05-04. Review status: criteria provided, single submitter. Criteria: Ambry Variant Classification Scheme 2023. Collection method: clinical testing. Allele origin: germline.
Comment: The p.L562F variant (also known as c.1686G>C), located in coding exon 18 of the SRP72 gene, results from a G to C substitution at nucleotide position 1686. The leucine at codon 562 is replaced by phenylalanine, an amino acid with highly similar properties. This amino acid position is conserved. In addition, the in silico prediction for this alteration is inconclusive. Based on the available evidence, the clinical significance of this variant remains unclear.

Labcorp Genetics (formerly Invitae), Labcorp
Classification: Uncertain significance. Last evaluated: 2024-01-25. Review status: criteria provided, single submitter. Criteria: Invitae Variant Classification Sherloc (09022015). Collection method: clinical testing. Allele origin: germline.
Comment: This sequence change replaces leucine, which is neutral and non-polar, with phenylalanine, which is neutral and non-polar, at codon 562 of the SRP72 protein (p.Leu562Phe). This variant is not present in population databases (gnomAD no frequency). This variant has not been reported in the literature in individuals affected with SRP72-related conditions. Advanced modeling of protein sequence and biophysical properties (such as structural, functional, and spatial information, amino acid conservation, physicochemical variation, residue mobility, and thermodynamic stability) performed at Invitae indicates that this missense variant is expected to disrupt SRP72 protein function with a positive predictive value of 80%. In summary, the available evidence is currently insufficient to determine the role of this variant in disease. Therefore, it has been classified as a Variant of Uncertain Significance.

NM_006947.4(SRP72):c.1686G>C (p.Leu562Phe)

Gene: SRP72 (signal recognition particle 72; plus strand). Cytogenetic location: 4q12.
Variant type: single nucleotide variant.
Coding change: c.1686G>C on transcript NM_006947.4 (MANE Select); coding-DNA position 1686, G replaced by C.
Protein change: p.Leu562Phe; replaces leucine 562 with phenylalanine.
Molecular consequence: missense variant. On other transcripts: non-coding transcript variant (1).
Genome position (GRCh38, 1-based): chr4:56,500,543, G>C. VCF-style: chr4-56500543-G-C. GRCh37 (hg19) VCF-style: chr4-57366709-G-C.
Other names: c.1686G>C (NM_006947.3); c.1503G>C, p.Leu501Phe (NM_001267722.2); short protein forms L501F, L562F.
Identifiers: ClinVar variation 2878733 (VCV002878733.4), dbSNP rs2110134149, ClinGen allele CA357002452.
Genomic context (GRCh38, chr4:56,500,543, plus strand): 5'-CTATCTTGAAAATATTATGACACATCTCTCATTTCTTTATAATCGTTATGCAGGAAAATT[G>C]CCTAAGAATTATGACCCAAAAGTTACCCCAGATCCAGAAAGATGGCTGCCAATGCGAGAA-3'
Protein context (NP_008878.3, residues 552-572): KKKKKKKKGK[Leu562Phe]PKNYDPKVTP